The following is an entry in ClinVar:

ClinVar aggregate classification (germline): Uncertain significance (1 of 4 stars; one submission).

Conditions:
Long QT syndrome 10 (LQT10). Identifiers: Orphanet 101016, Orphanet 768, MedGen C2678484, MONDO:0012737, OMIM 611819.

Submission:

Labcorp Genetics (formerly Invitae), Labcorp
Classification: Uncertain significance for Long QT syndrome 10. Last evaluated: 2021-04-29. Review status: criteria provided, single submitter. Criteria: Invitae Variant Classification Sherloc (09022015). Collection method: clinical testing. Allele origin: germline.
Comment: This sequence change replaces isoleucine with serine at codon 78 of the SCN4B protein (p.Ile78Ser). The isoleucine residue is moderately conserved and there is a large physicochemical difference between isoleucine and serine. This variant is not present in population databases (ExAC no frequency). This variant has not been reported in the literature in individuals with SCN4B-related conditions. Algorithms developed to predict the effect of missense changes on protein structure and function (SIFT, PolyPhen-2, Align-GVGD) all suggest that this variant is likely to be tolerated, but these predictions have not been confirmed by published functional studies and their clinical significance is uncertain. In summary, the available evidence is currently insufficient to determine the role of this variant in disease. Therefore, it has been classified as a Variant of Uncertain Significance.

NM_174934.4(SCN4B):c.233T>G (p.Ile78Ser)

Gene: SCN4B (sodium voltage-gated channel beta subunit 4; minus strand). Cytogenetic location: 11q23.3.
Variant type: single nucleotide variant.
Coding change: c.233T>G on transcript NM_174934.4 (MANE Select); coding-DNA position 233, T replaced by G.
Protein change: p.Ile78Ser; replaces isoleucine 78 with serine.
Molecular consequence: missense variant. On other transcripts: 5 prime UTR variant (1), non-coding transcript variant (1), intron variant (1).
Genome position (GRCh38, 1-based): chr11:118,145,058, A>C on the plus strand (T>G on the coding strand, the complement: SCN4B is on the minus strand). VCF-style: chr11-118145058-A-C. GRCh37 (hg19) VCF-style: chr11-118015773-A-C.
Other names: c.-98T>G (NM_001142349.2); c.62-3722T>G (NM_001142348.2); short protein forms I78S.
Identifiers: ClinVar variation 1462958 (VCV001462958.8), dbSNP rs1276703232, ClinGen allele CA382778478.